The following is an entry in ClinVar:

ClinVar aggregate classification (germline): Benign. Review status: criteria provided, single submitter (1 of 4 stars). 2 submissions from 2 submitters: Benign (1). 1 of the submissions does not count toward it. Last evaluated 2025-12-29.

Conditions:
LAMA5-related disorder. Also called: LAMA5-Related Disorders; LAMA5-related condition.

Allele frequency attached by ClinVar (database versions not stated): TOPMed 0.00002; gnomAD 0.00007; gnomAD exomes 0.00018; 1000 Genomes Project 30x 0.00031; ExAC 0.00037; 1000 Genomes Project 0.00040.
gnomAD v4.1: 268 of 1,612,578 alleles (0.017%); highest among the groups gnomAD compares: South Asian, 0.28%; 5 homozygotes.

Submissions (2):

Labcorp Genetics (formerly Invitae), Labcorp
Classification: Benign. Last evaluated: 2025-12-29. Review status: criteria provided, single submitter. Criteria: Invitae Variant Classification Sherloc (09022015). Collection method: clinical testing. Allele origin: germline.

PreventionGenetics, part of Exact Sciences
Classification: Likely benign for LAMA5-related condition. Last evaluated: 2023-07-20. Review status: no assertion criteria provided. Collection method: clinical testing. Allele origin: germline. Not counted in ClinVar's aggregate classification.
Comment: This variant is classified as likely benign based on ACMG/AMP sequence variant interpretation guidelines (Richards et al. 2015 PMID: 25741868, with internal and published modifications).

NM_005560.6(LAMA5):c.10688A>G (p.Gln3563Arg)

Gene: LAMA5 (laminin subunit alpha 5; minus strand). Cytogenetic location: 20q13.33.
Variant type: single nucleotide variant.
Coding change: c.10688A>G on transcript NM_005560.6 (MANE Select); coding-DNA position 10688, A replaced by G.
Protein change: p.Gln3563Arg; replaces glutamine 3563 with arginine.
Molecular consequence: missense variant.
Genome position (GRCh38, 1-based): chr20:62,310,224, T>C on the plus strand (A>G on the coding strand, the complement: LAMA5 is on the minus strand). VCF-style: chr20-62310224-T-C. GRCh37 (hg19) VCF-style: chr20-60885280-T-C.
Other names: c.10688A>G (NM_005560.4); short protein forms Q3563R.
Identifiers: ClinVar variation 2154024 (VCV002154024.6), dbSNP rs533642424, ClinGen allele CA9939681.
Genomic context (GRCh38, chr20:62,310,224, plus strand): 5'-TCTGCCAGGCTTACTTGCTTCTCGGTCACCTGCAACTGCAAGTAGGGGGGCGTCCGGGCC[T>C]GGCCCAAGTGGAAGATCAGTCCGGTGACTGCCAGGGGCCGCACCTCCAGTTCCAGGCCCA-3'
Protein context (NP_005551.3, residues 3553-3573): AVTGLIFHLG[Gln3563Arg]ARTPPYLQLQ